The following is an entry in ClinVar:

NM_001283009.2(RTEL1):c.582T>C (p.Ile194=)

Genes: RTEL1 (regulator of telomere elongation helicase 1; plus strand), RTEL1-TNFRSF6B (RTEL1-TNFRSF6B readthrough (NMD candidate); plus strand). Cytogenetic location: 20q13.33.
Variant type: single nucleotide variant.
Coding change: c.582T>C on transcript NM_001283009.2 (MANE Select); coding-DNA position 582, T replaced by C.
Protein change: p.Ile194=; no amino-acid change (isoleucine 194 retained).
Molecular consequence: synonymous variant. On other transcripts: non-coding transcript variant (1), 5 prime UTR variant (1).
Genome position (GRCh38, 1-based): chr20:63,666,047, T>C. VCF-style: chr20-63666047-T-C. GRCh37 (hg19) VCF-style: chr20-62297400-T-C.
Other names: p.Ile218=; c.582T>C (NM_001283009.1); c.-88T>C (NM_001283010.1); c.582T>C, p.Ile194= (NM_016434.4); c.654T>C, p.Ile218= (NM_032957.5).
Identifiers: ClinVar variation 1169884 (VCV001169884.17), dbSNP rs73920935, ClinGen allele CA9964343.

ClinVar aggregate classification (germline): Benign/Likely benign. Review status: criteria provided, multiple submitters, no conflicts (2 of 4 stars). 8 submissions from 8 submitters: Benign (6); Likely benign (1). 1 of the submissions does not count toward it. Last evaluated 2026-05-03.

Conditions:
RTEL1-related disorder. Also called: RTEL1-related disorders; RTEL1-related condition.
Pulmonary fibrosis and/or bone marrow failure, Telomere-related, 3. Also called: PULMONARY FIBROSIS AND/OR BONE MARROW FAILURE SYNDROME, TELOMERE-RELATED, 3. Identifiers: Orphanet 2032, MedGen C4225346, MONDO:0014613, OMIM 616373.
Dyskeratosis congenita, autosomal recessive 5 (DKCB5). Identifiers: MedGen C3554656, MONDO:0014076, OMIM 615190.
Dyskeratosis congenita. Identifiers: Orphanet 1775, MedGen C0265965, MONDO:0015780.

Allele frequency attached by ClinVar (database versions not stated): 1000 Genomes Project 30x 0.06621; 1000 Genomes Project 0.06629; ExAC 0.07001; TOPMed 0.08424; gnomAD 0.08449 and 0.08708; ESP Exome Variant Server 0.09319.
gnomAD v4.1: 126,064 of 1,613,910 alleles (7.8%); highest among the groups gnomAD compares: African/African-American, 11%; 5,259 homozygotes.

Submissions (8):

PreventionGenetics, part of Exact Sciences
Classification: Benign for RTEL1-related condition. Last evaluated: 2026-05-03. Review status: criteria provided, single submitter. Criteria: ACMG Guidelines, 2015. Collection method: clinical testing. Allele origin: germline.
Comment: This variant is classified as benign based on ACMG/AMP sequence variant interpretation guidelines (Richards et al. 2015 PMID: 25741868, with internal and published modifications).

Labcorp Genetics (formerly Invitae), Labcorp
Classification: Benign for Dyskeratosis congenita, autosomal recessive 5; Pulmonary fibrosis and/or bone marrow failure, Telomere-related, 3. Last evaluated: 2026-02-04. Review status: criteria provided, single submitter. Criteria: Invitae Variant Classification Sherloc (09022015). Collection method: clinical testing. Allele origin: germline.

ARUP Laboratories, Molecular Genetics and Genomics, ARUP Laboratories
Classification: Benign. Last evaluated: 2025-07-21. Review status: criteria provided, single submitter. Criteria: ARUP Molecular Germline Variant Investigation Process 2024. Collection method: clinical testing. Allele origin: germline.

Blueprint Genetics
Classification: Likely benign. Last evaluated: 2024-11-28. Review status: criteria provided, single submitter. Criteria: ACMG Guidelines, 2015. Collection method: clinical testing. Allele origin: germline.

GeneDx
Classification: Benign. Last evaluated: 2019-02-02. Review status: criteria provided, single submitter. Criteria: GeneDx Variant Classification Process June 2021. Collection method: clinical testing. Allele origin: germline. Affected: yes.

Mayo Clinic Laboratories, Mayo Clinic
Classification: Benign. Last evaluated: 2018-08-02. Review status: criteria provided, single submitter. Criteria: ACMG Guidelines, 2015. Collection method: clinical testing. Allele origin: germline. Observed: 170 variant alleles.

Breakthrough Genomics
Classification: Benign. Review status: criteria provided, single submitter. Criteria: ACMG Guidelines, 2015. Collection method: not provided. Allele origin: germline. Inheritance: Autosomal recessive inheritance. Affected: yes.

Natera, Inc.
Classification: Benign for Dyskeratosis congenita. Last evaluated: 2019-10-16. Review status: no assertion criteria provided. Collection method: clinical testing. Allele origin: germline. Not counted in ClinVar's aggregate classification.